The following is an entry in ClinVar:

ClinVar aggregate classification (germline): Uncertain significance (1 of 4 stars; one submission).

Allele frequency attached by ClinVar (database versions not stated): ExAC 0.00001; ESP Exome Variant Server 0.00008.

Submission:

Ambry Genetics
Classification: Uncertain significance. Last evaluated: 2021-12-10. Review status: criteria provided, single submitter. Criteria: Ambry Variant Classification Scheme 2023. Collection method: clinical testing. Allele origin: germline.
Comment: The p.R134I variant (also known as c.401G>T), located in coding exon 2 of the BCLAF1 gene, results from a G to T substitution at nucleotide position 401. The arginine at codon 134 is replaced by isoleucine, an amino acid with similar properties. This amino acid position is conserved. In addition, this alteration is predicted to be tolerated by in silico analysis. Since supporting evidence is limited at this time, the clinical significance of this alteration remains unclear.

NM_014739.3(BCLAF1):c.401G>T (p.Arg134Ile)

Gene: BCLAF1 (BCL2 associated transcription factor 1; minus strand). Cytogenetic location: 6q23.3.
Variant type: single nucleotide variant.
Coding change: c.401G>T on transcript NM_014739.3 (MANE Select); coding-DNA position 401, G replaced by T.
Protein change: p.Arg134Ile; replaces arginine 134 with isoleucine.
Molecular consequence: missense variant. On other transcripts: non-coding transcript variant (7).
Genome position (GRCh38, 1-based): chr6:136,278,480, C>A on the plus strand (G>T on the coding strand, the complement: BCLAF1 is on the minus strand). VCF-style: chr6-136278480-C-A. GRCh37 (hg19) VCF-style: chr6-136599618-C-A.
Other names: c.395G>T, p.Arg132Ile (NM_001077440.3, NM_001301038.3, NM_001386696.1 and 2 more transcripts); c.401G>T, p.Arg134Ile (NM_001077441.3, NM_001363659.3, NM_001386693.1 and 8 more transcripts); short protein forms R132I, R134I.
Identifiers: ClinVar variation 1737102 (VCV001737102.2), dbSNP rs139492977, ClinGen allele CA4015286.